The following is an entry in ClinVar:

ClinVar aggregate classification (germline): Conflicting classifications of pathogenicity. Review status: criteria provided, conflicting classifications (1 of 4 stars). 3 submissions from 3 submitters: Uncertain significance (1); Likely benign (2). Last evaluated 2025-12-15.

Allele frequency attached by ClinVar (database versions not stated): 1000 Genomes Project 30x 0.00078; 1000 Genomes Project 0.00080; ExAC 0.00108; gnomAD exomes 0.00127 and 0.00259; ESP Exome Variant Server 0.00162; gnomAD 0.00162 and 0.00165; TOPMed 0.00196.
gnomAD v4.1: 4,009 of 1,610,652 alleles (0.25%); highest among the groups gnomAD compares: Non-Finnish European, 0.32%; 11 homozygotes.

Submissions (3):

Labcorp Genetics (formerly Invitae), Labcorp
Classification: Likely benign. Last evaluated: 2025-12-15. Review status: criteria provided, single submitter. Criteria: Invitae Variant Classification Sherloc (09022015). Collection method: clinical testing. Allele origin: germline.

Blueprint Genetics
Classification: Likely benign. Last evaluated: 2024-11-22. Review status: criteria provided, single submitter. Criteria: ACMG Guidelines, 2015. Collection method: clinical testing. Allele origin: germline.

Mayo Clinic Laboratories, Mayo Clinic
Classification: Uncertain significance. Last evaluated: 2024-08-21. Review status: criteria provided, single submitter. Criteria: ACMG Guidelines, 2015. Collection method: clinical testing. Allele origin: germline. Observed: 4 variant alleles.
Comment: BP4

NM_001193313.2(SUGCT):c.126A>C (p.Glu42Asp)

Gene: SUGCT (succinyl-CoA:glutarate-CoA transferase; plus strand). Cytogenetic location: 7p14.1.
Variant type: single nucleotide variant.
Coding change: c.126A>C on transcript NM_001193313.2 (MANE Select); coding-DNA position 126, A replaced by C.
Protein change: p.Glu42Asp; replaces glutamic acid 42 with aspartic acid.
Molecular consequence: missense variant.
Genome position (GRCh38, 1-based): chr7:40,180,972, A>C. VCF-style: chr7-40180972-A-C. GRCh37 (hg19) VCF-style: chr7-40220571-A-C.
Other names: p.Glu49Asp; c.126A>C, p.Glu42Asp (NM_001193311.2, NM_001193312.2, NM_024728.3); c.147A>C (NM_024728.2); short protein forms E42D.
Identifiers: ClinVar variation 810087 (VCV000810087.49), dbSNP rs193023834, ClinGen allele CA4229334.
Genomic context (GRCh38, chr7:40,180,972, plus strand): 5'-TGAATTATCTTGAAATGTTTTCTCTGTTTTGCCAGATATGAACAATATAAAGCCATTGGA[A>C]GGGGTAAAAATTCTGGATCTAACAAGGTTTGTATTGGTTTATCTACATTTTGGTGATTGG-3'
Protein context (NP_001180242.2, residues 32-52): QSDMNNIKPL[Glu42Asp]GVKILDLTRV